The following is an entry in ClinVar:

NM_001267550.2(TTN):c.996A>G (p.Ala332=)

Gene: TTN (titin; minus strand). Cytogenetic location: 2q31.2.
Variant type: single nucleotide variant.
Coding change: c.996A>G on transcript NM_001267550.2 (MANE Select); coding-DNA position 996, A replaced by G.
Protein change: p.Ala332=; no amino-acid change (alanine 332 retained).
Molecular consequence: synonymous variant.
Genome position (GRCh38, 1-based): chr2:178,795,171, T>C on the plus strand (A>G on the coding strand, the complement: TTN is on the minus strand). VCF-style: chr2-178795171-T-C. GRCh37 (hg19) VCF-style: chr2-179659898-T-C.
Other names: c.996A>G, p.Ala332= (NM_003319.4, NM_133378.4, NM_133379.5 and 3 more transcripts).
Identifiers: ClinVar variation 511231 (VCV000511231.10), dbSNP rs750838855, ClinGen allele CA2006157.
Genomic context (GRCh38, chr2:178,795,171, plus strand): 5'-GGCCACGTAGCCCTCTTGCTTCCAAGGGGGAGGCACTTCAGGACCTGTGGCCACGGTGGA[T>C]GCCTGAGTCTTACGCATGAGCAATGGAGACCTAACAGACCTGATGGGGGATGTGGAGATT-3'
Protein context (NP_001254479.2, residues 322-342): RSPLLMRKTQ[Ala332=]STVATGPEVP

ClinVar aggregate classification (germline): Likely benign. Review status: criteria provided, multiple submitters, no conflicts (2 of 4 stars). 2 submissions from 2 submitters: Likely benign (2). Last evaluated 2025-07-20.

Conditions:
Dilated cardiomyopathy 1G (CMD1G). Identifiers: Orphanet 154, MedGen C1858763, MONDO:0011400, OMIM 604145.
Autosomal recessive limb-girdle muscular dystrophy type 2J (LGMDR10). Also called: Limb-girdle muscular dystrophy, type 2J; MUSCULAR DYSTROPHY, LIMB-GIRDLE, AUTOSOMAL RECESSIVE 10. Identifiers: Orphanet 140922, MedGen C1837342, MONDO:0012127, OMIM 608807.

Allele frequency attached by ClinVar (database versions not stated): gnomAD 0.00001; ExAC 0.00002; gnomAD exomes 0.00002; TOPMed 0.00002.
gnomAD v4.1: 6 of 1,614,052 alleles (0.00037%); highest among the groups gnomAD compares: East Asian, 0.0089%; no homozygotes.

Submissions (2):

Labcorp Genetics (formerly Invitae), Labcorp
Classification: Likely benign for Dilated cardiomyopathy 1G; Autosomal recessive limb-girdle muscular dystrophy type 2J. Last evaluated: 2025-07-20. Review status: criteria provided, single submitter. Criteria: Invitae Variant Classification Sherloc (09022015). Collection method: clinical testing. Allele origin: germline.

GeneDx
Classification: Likely benign. Last evaluated: 2017-07-31. Review status: criteria provided, single submitter. Criteria: GeneDx Variant Classification (06012015). Collection method: clinical testing. Allele origin: germline. Affected: yes.
Comment: This variant is considered likely benign or benign based on one or more of the following criteria: it is a conservative change, it occurs at a poorly conserved position in the protein, it is predicted to be benign by multiple in silico algorithms, and/or has population frequency not consistent with disease.